The following is an entry in ClinVar:

NM_003413.4(ZIC3):c.105G>A (p.Met35Ile)

Gene: ZIC3 (Zic family zinc finger 3; plus strand). Cytogenetic location: Xq26.3.
Variant type: single nucleotide variant.
Coding change: c.105G>A on transcript NM_003413.4 (MANE Select); coding-DNA position 105, G replaced by A.
Protein change: p.Met35Ile; replaces methionine 35 with isoleucine.
Molecular consequence: missense variant.
Genome position (GRCh38, 1-based): chrX:137,566,796, G>A. VCF-style: chrX-137566796-G-A. GRCh37 (hg19) VCF-style: chrX-136648955-G-A.
Other names: c.105G>A, p.Met35Ile (NM_001330661.1); short protein forms M35I.
Identifiers: ClinVar variation 1033580 (VCV001033580.1), dbSNP rs1931349869, ClinGen allele CA414769190.
Genomic context (GRCh38, chrX:137,566,796, plus strand): 5'-AGTGGGCAGCTTCGGCGCGCCGCGCCACCACGAGATGCCCAACCGTGAGCCGGCAGGCAT[G>A]GGGCTGAATCCCTTCGGGGACTCAACCCACGCCGCCGCCGCCGCCGCCGCCGCCGCTGCC-3'
Protein context (NP_003404.1, residues 25-45): HEMPNREPAG[Met35Ile]GLNPFGDSTH

ClinVar aggregate classification (germline): Uncertain significance (1 of 4 stars; one submission).

Conditions:
Heterotaxy, visceral, 1, X-linked (HTX1). Also called: Laterality, X-linked; Visceral heterotaxia; DEXTROCARDIA WITH OTHER CARDIAC MALFORMATIONS; SITUS INVERSUS, COMPLEX CARDIAC DEFECTS, AND SPLENIC DEFECTS, X-LINKED. Identifiers: Orphanet 450, MedGen C1844020, MONDO:0010607, OMIM 306955.

Allele frequency attached by ClinVar (database versions not stated): gnomAD 0.00001; TOPMed 0.00001; gnomAD exomes 0.00003.
gnomAD v4.1: 32 of 1,176,305 alleles (0.0027%); highest among the groups gnomAD compares: Non-Finnish European, 0.0033%; no homozygotes.

Submission:

Baylor Genetics
Classification: Uncertain significance for Heterotaxy, visceral, 1, X-linked. Last evaluated: 2018-07-21. Review status: criteria provided, single submitter. Criteria: ACMG Guidelines, 2015. Collection method: clinical testing. Allele origin: maternal. Affected: yes.
Comment: This variant was determined to be of uncertain significance according to ACMG Guidelines, 2015 [PMID:25741868].